The following is an entry in ClinVar:

NM_016529.6(ATP8A2):c.2431C>T (p.Arg811Trp)

Gene: ATP8A2 (ATPase phospholipid transporting 8A2). Cytogenetic location: 13q12.13.
Variant type: single nucleotide variant.
Coding change: c.2431C>T on transcript NM_016529.6 (MANE Select); coding-DNA position 2431, C replaced by T.
Protein change: p.Arg811Trp; replaces arginine 811 with tryptophan.
Molecular consequence: missense variant.
Genome position (GRCh38, 1-based): chr13:25,769,092, C>T. VCF-style: chr13-25769092-C-T. GRCh37 (hg19) VCF-style: chr13-26343230-C-T.
Other names: c.2311C>T, p.Arg771Trp (NM_001313741.1); c.2431C>T, p.Arg811Trp (NM_001411005.1, NM_001411006.1); short protein forms R771W, R811W.
Identifiers: ClinVar variation 1900322 (VCV001900322.2), dbSNP rs560280973, ClinGen allele CA6923331.
Genomic context (GRCh38, chr13:25,769,092, plus strand): 5'-CTCTTTTCTCACAGAGTGTCTCCTCTGCAGAAGTCTGAGATAGTGGATGTGGTGAAGAAG[C>T]GGGTGAAGGCCATCACCCTCGCCATCGGAGACGGCGCCAACGATGTCGGGATGATCCAGA-3'
Protein context (NP_057613.4, residues 801-821): KSEIVDVVKK[Arg811Trp]VKAITLAIGD

ClinVar aggregate classification (germline): Uncertain significance (1 of 4 stars; one submission).

Allele frequency attached by ClinVar (database versions not stated): gnomAD exomes 0.00006; ExAC 0.00007; TOPMed 0.00007; gnomAD 0.00009; 1000 Genomes Project 30x 0.00016; 1000 Genomes Project 0.00020.
gnomAD v4.1: 104 of 1,614,158 alleles (0.0064%); highest among the groups gnomAD compares: Admixed American, 0.022%; no homozygotes.

Submission:

Labcorp Genetics (formerly Invitae), Labcorp
Classification: Uncertain significance. Last evaluated: 2022-02-16. Review status: criteria provided, single submitter. Criteria: Invitae Variant Classification Sherloc (09022015). Collection method: clinical testing. Allele origin: germline.
Comment: This sequence change replaces arginine, which is basic and polar, with tryptophan, which is neutral and slightly polar, at codon 811 of the ATP8A2 protein (p.Arg811Trp). This variant is present in population databases (rs560280973, gnomAD 0.03%). This variant has not been reported in the literature in individuals affected with ATP8A2-related conditions. Algorithms developed to predict the effect of missense changes on protein structure and function are either unavailable or do not agree on the potential impact of this missense change (SIFT: "Deleterious"; PolyPhen-2: "Possibly Damaging"; Align-GVGD: "Class C0"). Algorithms developed to predict the effect of sequence changes on RNA splicing suggest that this variant may create or strengthen a splice site. In summary, the available evidence is currently insufficient to determine the role of this variant in disease. Therefore, it has been classified as a Variant of Uncertain Significance.